The following is an entry in ClinVar:

ClinVar aggregate classification (germline): Conflicting classifications of pathogenicity. Review status: criteria provided, conflicting classifications (1 of 4 stars). 5 submissions from 5 submitters: Uncertain significance (1); Likely benign (4). Last evaluated 2025-09-24.

Conditions:
Inborn genetic diseases. Identifiers: MedGen C0950123, MeSH D030342.
Intellectual developmental disorder, autosomal dominant 1. Also called: Intellectual disability, autosomal dominant 1; MBD5 Haploinsufficiency. Identifiers: Orphanet 228402, MedGen C1969562, MONDO:0007974, OMIM 156200.

Allele frequency attached by ClinVar (database versions not stated): gnomAD exomes 0.00002 and 0.00003; ExAC 0.00004; gnomAD 0.00005 and 0.00006; TOPMed 0.00005.
gnomAD v4.1: 31 of 1,613,892 alleles (0.0019%); highest among the groups gnomAD compares: Admixed American, 0.022%; no homozygotes.

Submissions (5):

Labcorp Genetics (formerly Invitae), Labcorp
Classification: Uncertain significance for Intellectual developmental disorder, autosomal dominant 1. Last evaluated: 2025-09-24. Review status: criteria provided, single submitter. Criteria: Invitae Variant Classification Sherloc (09022015). Collection method: clinical testing. Allele origin: germline.
Comment: This sequence change replaces phenylalanine, which is neutral and non-polar, with leucine, which is neutral and non-polar, at codon 381 of the MBD5 protein (p.Phe381Leu). This variant is present in population databases (rs768570356, gnomAD 0.02%). This variant has not been reported in the literature in individuals affected with MBD5-related conditions. ClinVar contains an entry for this variant (Variation ID: 211435). Invitae Evidence Modeling of protein sequence and biophysical properties (such as structural, functional, and spatial information, amino acid conservation, physicochemical variation, residue mobility, and thermodynamic stability) indicates that this missense variant is not expected to disrupt MBD5 protein function with a negative predictive value of 80%. In summary, the available evidence is currently insufficient to determine the role of this variant in disease. Therefore, it has been classified as a Variant of Uncertain Significance.

Ambry Genetics
Classification: Likely benign for Inborn genetic diseases. Last evaluated: 2025-01-29. Review status: criteria provided, single submitter. Criteria: Ambry Variant Classification Scheme 2023. Collection method: clinical testing. Allele origin: germline.

Blueprint Genetics
Classification: Likely benign. Last evaluated: 2024-10-22. Review status: criteria provided, single submitter. Criteria: ACMG Guidelines, 2015. Collection method: clinical testing. Allele origin: germline.

GeneDx
Classification: Likely benign. Last evaluated: 2020-01-27. Review status: criteria provided, single submitter. Criteria: GeneDx Variant Classification Process June 2021. Collection method: clinical testing. Allele origin: germline. Affected: yes.

Genetic Services Laboratory, University of Chicago
Classification: Likely benign. Last evaluated: 2014-10-17. Review status: criteria provided, single submitter. Criteria: ACMG Guidelines, 2015. Collection method: clinical testing. Allele origin: germline.

NM_001378120.1(MBD5):c.1141T>C (p.Phe381Leu)

Gene: MBD5 (methyl-CpG binding domain protein 5; plus strand). Cytogenetic location: 2q23.1.
Variant type: single nucleotide variant.
Coding change: c.1141T>C on transcript NM_001378120.1 (MANE Select); coding-DNA position 1141, T replaced by C.
Protein change: p.Phe381Leu; replaces phenylalanine 381 with leucine.
Molecular consequence: missense variant.
Genome position (GRCh38, 1-based): chr2:148,469,084, T>C. VCF-style: chr2-148469084-T-C. GRCh37 (hg19) VCF-style: chr2-149226653-T-C.
Other names: c.1141T>C, p.Phe381Leu (NM_018328.5); short protein forms F381L.
Identifiers: ClinVar variation 211435 (VCV000211435.15), dbSNP rs768570356, ClinGen allele CA206849.